The following is an entry in ClinVar:

ClinVar aggregate classification (germline): Pathogenic. Review status: criteria provided, multiple submitters, no conflicts (2 of 4 stars). 2 submissions from 2 submitters: Pathogenic (2). Last evaluated 2025-08-18.

Conditions:
Familial adenomatous polyposis 4 (FAP4). Also called: MSH3-related attenuated familial adenomatous polyposis. Identifiers: Orphanet 480536, MedGen C4310719, MONDO:0044300, OMIM 617100.

Submissions (2):

Labcorp Genetics (formerly Invitae), Labcorp
Classification: Pathogenic. Last evaluated: 2025-08-18. Review status: criteria provided, single submitter. Criteria: Invitae Variant Classification Sherloc (09022015). Collection method: clinical testing. Allele origin: germline.
Comment: This sequence change creates a premature translational stop signal (p.Ala805Cysfs*2) in the MSH3 gene. It is expected to result in an absent or disrupted protein product. Loss-of-function variants in MSH3 are known to be pathogenic (PMID: 27476653, 37402566). This variant is not present in population databases (gnomAD no frequency). This variant has not been reported in the literature in individuals affected with MSH3-related conditions. ClinVar contains an entry for this variant (Variation ID: 2573237). Algorithms developed to predict the effect of sequence changes on RNA splicing suggest that this variant may disrupt the consensus splice site. For these reasons, this variant has been classified as Pathogenic.

Myriad Genetics, Inc.
Classification: Pathogenic for Familial adenomatous polyposis 4. Last evaluated: 2023-03-17. Review status: criteria provided, single submitter. Criteria: Myriad Autosomal Dominant, Autosomal Recessive and X-Linked Classification Criteria (2023). Collection method: clinical testing. Allele origin: unknown.
Comment: This variant is considered pathogenic. This variant creates a frameshift predicted to result in premature protein truncation.

Literature cited by the submitters: PubMed 27476653 (cited by Labcorp Genetics (formerly Invitae), Labcorp); PubMed 37402566 (cited by Labcorp Genetics (formerly Invitae), Labcorp).

NM_002439.5(MSH3):c.2412dup (p.Ala805fs)

Gene: MSH3 (mutS homolog 3; plus strand). Cytogenetic location: 5q14.1.
Variant type: Duplication.
Coding change: c.2412dup on transcript NM_002439.5 (MANE Select); coding-DNA position 2412, one base duplicated (T; older notation c.2412dupT).
Protein change: p.Ala805fs; shifts the reading frame from alanine 805.
Molecular consequence: frameshift variant.
Genome position (GRCh38, 1-based): chr5:80,778,813, T duplicated. VCF-style (leftmost placement, unchanged base first): chr5-80778812-G-GT. GRCh37 (hg19) VCF-style: chr5-80074631-G-GT.
Other names: short protein forms A805fs.
Identifiers: ClinVar variation 2573237 (VCV002573237.2), dbSNP rs2546779597, ClinGen allele CA2580613595.